The following is an entry in ClinVar:

ClinVar aggregate classification (germline): Benign (0 of 4 stars; one submission).

Conditions:
AGBL4-related disorder. Also called: AGBL4-related condition.

Allele frequency attached by ClinVar (database versions not stated): ExAC 0.00653; ESP Exome Variant Server 0.02175; gnomAD 0.02215; 1000 Genomes Project 0.02376; TOPMed 0.02417; 1000 Genomes Project 30x 0.02436.
gnomAD v4.1: 6,777 of 1,613,756 alleles (0.42%); highest among the groups gnomAD compares: African/African-American, 7.6%; 226 homozygotes.

Submissions (6):

PreventionGenetics, part of Exact Sciences
Classification: Benign for AGBL4-related condition. Last evaluated: 2020-01-02. Review status: no assertion criteria provided. Collection method: clinical testing. Allele origin: germline.
Comment: This variant is classified as benign based on ACMG/AMP sequence variant interpretation guidelines (Richards et al. 2015 PMID: 25741868, with internal and published modifications).

Dr. Peter K. Rogan Lab, Western University
No classification provided (evidence only). Condition: Lung cancer. Review status: no classification provided. Collection method: in vitro. Allele origin: not applicable. Functional consequence: retained intron. Not counted in ClinVar's aggregate classification.

Dr. Peter K. Rogan Lab, Western University
No classification provided (evidence only). Condition: Lung cancer. Review status: no classification provided. Collection method: in vitro. Allele origin: not applicable. Functional consequence: retained intron. Not counted in ClinVar's aggregate classification.

Dr. Peter K. Rogan Lab, Western University
No classification provided (evidence only). Condition: Uterine corpus endometrial carcinoma. Review status: no classification provided. Collection method: in vitro. Allele origin: not applicable. Functional consequence: retained intron. Not counted in ClinVar's aggregate classification.

Dr. Peter K. Rogan Lab, Western University
No classification provided (evidence only). Condition: Thymoma. Review status: no classification provided. Collection method: in vitro. Allele origin: not applicable. Functional consequence: retained intron. Not counted in ClinVar's aggregate classification.

Dr. Peter K. Rogan Lab, Western University
No classification provided (evidence only). Condition: Ovarian serous cystadenocarcinoma. Review status: no classification provided. Collection method: in vitro. Allele origin: not applicable. Functional consequence: retained intron. Not counted in ClinVar's aggregate classification.

NM_032785.4(AGBL4):c.644G>A (p.Arg215Gln)

Gene: AGBL4 (AGBL carboxypeptidase 4; minus strand). Cytogenetic location: 1p33.
Variant type: single nucleotide variant.
Coding change: c.644G>A on transcript NM_032785.4 (MANE Select); coding-DNA position 644, G replaced by A.
Protein change: p.Arg215Gln; replaces arginine 215 with glutamine.
Molecular consequence: missense variant. On other transcripts: non-coding transcript variant (1).
Genome position (GRCh38, 1-based): chr1:48,663,232, C>T on the plus strand (G>A on the coding strand, the complement: AGBL4 is on the minus strand). VCF-style: chr1-48663232-C-T. GRCh37 (hg19) VCF-style: chr1-49128904-C-T.
Other names: NC_000001.10:g.49128904C>T; c.680G>A, p.Arg227Gln (NM_001323573.2, NM_001323574.2); c.644G>A, p.Arg215Gln (NM_001323575.2); short protein forms R215Q, R227Q.
Identifiers: ClinVar variation 3055894 (VCV003055894.3), dbSNP rs75333004, ClinGen allele CA844853.